The following is an entry in ClinVar:

ClinVar aggregate classification (germline): Uncertain significance (1 of 4 stars; one submission).

Conditions:
Cardiovascular phenotype. Identifiers: MedGen CN230736.
Hereditary cancer-predisposing syndrome. Also called: Tumor predisposition; Neoplastic Syndromes, Hereditary; Hereditary Cancer Syndrome; Hereditary neoplastic syndrome. Identifiers: Orphanet 140162, MedGen C0027672, MeSH D009386, MONDO:0015356.

Submission:

Ambry Genetics
Classification: Uncertain significance for Cardiovascular phenotype; Hereditary cancer-predisposing syndrome. Last evaluated: 2024-12-22. Review status: criteria provided, single submitter. Criteria: Ambry Variant Classification Scheme 2023. Collection method: clinical testing. Allele origin: germline.
Comment: The p.Q161P variant (also known as c.482A>C), located in coding exon 5 of the LZTR1 gene, results from an A to C substitution at nucleotide position 482. The glutamine at codon 161 is replaced by proline, an amino acid with similar properties. This amino acid position is conserved. In addition, the in silico prediction for this alteration is inconclusive. Based on the available evidence, the clinical significance of this variant remains unclear.

NM_006767.4(LZTR1):c.482A>C (p.Gln161Pro)

Gene: LZTR1 (leucine zipper like post translational regulator 1; plus strand). Cytogenetic location: 22q11.21.
Variant type: single nucleotide variant.
Coding change: c.482A>C on transcript NM_006767.4 (MANE Select); coding-DNA position 482, A replaced by C.
Protein change: p.Gln161Pro; replaces glutamine 161 with proline.
Molecular consequence: missense variant.
Genome position (GRCh38, 1-based): chr22:20,988,091, A>C. VCF-style: chr22-20988091-A-C. GRCh37 (hg19) VCF-style: chr22-21342380-A-C.
Other names: short protein forms Q161P.
Identifiers: ClinVar variation 3869277 (VCV003869277.1).
Genomic context (GRCh38, chr22:20,988,091, plus strand): 5'-ATTCCAATTCTAACTTGAAGAATAAAAACGACCTCTTTGAATACAAGTTTGCAACTGGCC[A>C]GTGGACGGAGTGGAAAATTGAAGGACGGTGAGAAACTTTGCAGAAACATTTGGGACAGGC-3'
Protein context (NP_006758.2, residues 151-171): DLFEYKFATG[Gln161Pro]WTEWKIEGRL